The following is an entry in ClinVar:

NM_001127178.3(PIGG):c.1372C>T (p.Arg458Cys)

Gene: PIGG (phosphatidylinositol glycan anchor biosynthesis class G (EMM blood group); plus strand). Cytogenetic location: 4p16.3.
Variant type: single nucleotide variant.
Coding change: c.1372C>T on transcript NM_001127178.3 (MANE Select); coding-DNA position 1372, C replaced by T.
Protein change: p.Arg458Cys; replaces arginine 458 with cysteine.
Molecular consequence: missense variant. On other transcripts: synonymous variant (1), 5 prime UTR variant (2), non-coding transcript variant (10).
Genome position (GRCh38, 1-based): chr4:521,699, C>T. VCF-style: chr4-521699-C-T. GRCh37 (hg19) VCF-style: chr4-515488-C-T.
Other names: c.1105C>T, p.Arg369Cys (NM_001289051.2, NM_001289053.2, NM_001345986.2); c.973C>T, p.Arg325Cys (NM_001289052.2); c.960C>T, p.Cys320= (NM_001289055.2); c.887C>T, p.Ala296Val (NM_001289057.2); c.1081C>T, p.Arg361Cys (NM_001345987.2); c.343C>T, p.Arg115Cys (NM_001345988.2); c.1372C>T, p.Arg458Cys (NM_001345989.2); c.-162C>T (NM_001345990.2, NM_001345991.2); and 2 more; short protein forms R458C, A296V, R361C, R369C, R92C, R325C, R115C, R450C.
Identifiers: ClinVar variation 649764 (VCV000649764.7), dbSNP rs201636801, ClinGen allele CA2793298.
Genomic context (GRCh38, chr4:521,699, plus strand): 5'-GCTGCTGTTTCTCTGTTCCAGGTTCTCACCCTGCTCCTGCTCAGCGTCCCACAGGCACTG[C>T]GCAGAAAGGCTGAGCTGGAAGTCCCACTGTCATCTCCTGGGTTTTCTCTGCTCTTTTATT-3'
Protein context (NP_001120650.1, residues 448-468): LLLLSVPQAL[Arg458Cys]RKAELEVPLS

ClinVar aggregate classification (germline): Uncertain significance. Review status: criteria provided, multiple submitters, no conflicts (2 of 4 stars). 2 submissions from 2 submitters: Uncertain significance (2). Last evaluated 2025-11-10.

Conditions:
Intellectual disability, autosomal recessive 53 (NEDHSCA). Also called: GLYCOSYLPHOSPHATIDYLINOSITOL BIOSYNTHESIS DEFECT 13; Mental retardation, autosomal recessive 53; NEURODEVELOPMENTAL DISORDER WITH OR WITHOUT HYPOTONIA, SEIZURES, AND CEREBELLAR ATROPHY. Identifiers: Orphanet 488635, MedGen C4310794, MONDO:0014832, OMIM 616917.

Allele frequency attached by ClinVar (database versions not stated): gnomAD exomes 0.00004 and 0.00012; 1000 Genomes Project 30x 0.00016; ExAC 0.00016; 1000 Genomes Project 0.00020; gnomAD 0.00040 and 0.00041; TOPMed 0.00051; ESP Exome Variant Server 0.00062.
gnomAD v4.1: 131 of 1,614,080 alleles (0.0081%); highest among the groups gnomAD compares: African/African-American, 0.13%; no homozygotes.

Submissions (2):

Labcorp Genetics (formerly Invitae), Labcorp
Classification: Uncertain significance for Intellectual disability, autosomal recessive 53. Last evaluated: 2025-11-10. Review status: criteria provided, single submitter. Criteria: Invitae Variant Classification Sherloc (09022015). Collection method: clinical testing. Allele origin: germline.
Comment: This sequence change replaces arginine, which is basic and polar, with cysteine, which is neutral and slightly polar, at codon 458 of the PIGG protein (p.Arg458Cys). This variant is present in population databases (rs201636801, gnomAD 0.1%). This variant has not been reported in the literature in individuals affected with PIGG-related conditions. ClinVar contains an entry for this variant (Variation ID: 649764). Invitae Evidence Modeling of protein sequence and biophysical properties (such as structural, functional, and spatial information, amino acid conservation, physicochemical variation, residue mobility, and thermodynamic stability) indicates that this missense variant is not expected to disrupt PIGG protein function with a negative predictive value of 80%. In summary, the available evidence is currently insufficient to determine the role of this variant in disease. Therefore, it has been classified as a Variant of Uncertain Significance.

GeneDx
Classification: Uncertain significance. Last evaluated: 2021-06-23. Review status: criteria provided, single submitter. Criteria: GeneDx Variant Classification Process June 2021. Collection method: clinical testing. Allele origin: germline. Affected: yes.
Comment: In silico analysis supports that this missense variant does not alter protein structure/function; Has not been previously published as pathogenic or benign to our knowledge; This variant is associated with the following publications: (PMID: 27535533)